The following is an entry in ClinVar:

ClinVar aggregate classification (germline): Likely benign (1 of 4 stars; one submission).

Allele frequency attached by ClinVar (database versions not stated): gnomAD exomes below 0.00001; gnomAD 0.00001; TOPMed 0.00001.
gnomAD v4.1: 6 of 1,190,463 alleles (0.0005%); highest among the groups gnomAD compares: Non-Finnish European, 0.00068%; no homozygotes.

Submission:

GeneDx
Classification: Likely benign. Last evaluated: 2016-09-22. Review status: criteria provided, single submitter. Criteria: GeneDx Variant Classification (06012015). Collection method: clinical testing. Allele origin: germline. Affected: yes.
Comment: This variant is considered likely benign or benign based on one or more of the following criteria: it is a conservative change, it occurs at a poorly conserved position in the protein, it is predicted to be benign by multiple in silico algorithms, and/or has population frequency not consistent with disease.

NM_014008.5(CCDC22):c.910-5C>T

Gene: CCDC22 (CCC complex scaffolding subunit CCDC22; plus strand). Cytogenetic location: Xp11.23.
Variant type: single nucleotide variant.
Coding change: c.910-5C>T on transcript NM_014008.5 (MANE Select); 5 bases into the intron before coding-DNA position 910, C replaced by T.
Molecular consequence: intron variant.
Genome position (GRCh38, 1-based): chrX:49,247,491, C>T. VCF-style: chrX-49247491-C-T. GRCh37 (hg19) VCF-style: chrX-49103952-C-T.
Identifiers: ClinVar variation 389264 (VCV000389264.1), dbSNP rs1057523379, ClinGen allele CA16608508.